The following is an entry in ClinVar:

ClinVar aggregate classification (germline): Uncertain significance (1 of 4 stars; one submission).

Conditions:
Myofibrillar myopathy 6. Identifiers: Orphanet 199340, MedGen C2751831, MONDO:0013061, OMIM 612954.
Dilated cardiomyopathy 1HH (CMD1HH). Identifiers: Orphanet 154, MedGen C3151293, MONDO:0013479, OMIM 613881.

Allele frequency attached by ClinVar (database versions not stated): gnomAD exomes below 0.00001.
gnomAD v4.1: 3 of 1,614,236 alleles (0.00019%); highest among the groups gnomAD compares: Non-Finnish European, 0.00025%; no homozygotes.

Submission:

Labcorp Genetics (formerly Invitae), Labcorp
Classification: Uncertain significance for Dilated cardiomyopathy 1HH; Myofibrillar myopathy 6. Last evaluated: 2020-11-06. Review status: criteria provided, single submitter. Criteria: Invitae Variant Classification Sherloc (09022015). Collection method: clinical testing. Allele origin: germline.
Comment: This sequence change replaces glutamic acid with aspartic acid at codon 125 of the BAG3 protein (p.Glu125Asp). The glutamic acid residue is highly conserved and there is a small physicochemical difference between glutamic acid and aspartic acid. In summary, the available evidence is currently insufficient to determine the role of this variant in disease. Therefore, it has been classified as a Variant of Uncertain Significance. Algorithms developed to predict the effect of missense changes on protein structure and function are either unavailable or do not agree on the potential impact of this missense change (SIFT: "Tolerated"; PolyPhen-2: "Possibly Damaging"; Align-GVGD: "Class C0"). This variant has not been reported in the literature in individuals with BAG3-related conditions. This variant is not present in population databases (ExAC no frequency).

NM_004281.4(BAG3):c.375G>T (p.Glu125Asp)

Gene: BAG3 (BAG cochaperone 3; plus strand). Cytogenetic location: 10q26.11.
Variant type: single nucleotide variant.
Coding change: c.375G>T on transcript NM_004281.4 (MANE Select); coding-DNA position 375, G replaced by T.
Protein change: p.Glu125Asp; replaces glutamic acid 125 with aspartic acid.
Molecular consequence: missense variant.
Genome position (GRCh38, 1-based): chr10:119,670,045, G>T. VCF-style: chr10-119670045-G-T. GRCh37 (hg19) VCF-style: chr10-121429557-G-T.
Other names: short protein forms E125D.
Identifiers: ClinVar variation 1520736 (VCV001520736.8), dbSNP rs2134063438, ClinGen allele CA378294967.